The following is an entry in ClinVar:

ClinVar aggregate classification (germline): Benign. Review status: criteria provided, multiple submitters, no conflicts (2 of 4 stars). 6 submissions from 6 submitters: Benign (6). Last evaluated 2026-02-01.

Conditions:
Loeys-Dietz syndrome 2 (LDS2). Also called: TGFBR2-Related Loeys-Dietz Syndrome; Marfan Syndrome type 2; Marfan like connective tissue disorder; MFS 2; AORTIC ANEURYSM, FAMILIAL THORACIC 3; MARFAN SYNDROME, TYPE II. Identifiers: Orphanet 284973, Orphanet 558, MedGen C2674574, MONDO:0012427, OMIM 610168.

Allele frequency attached by ClinVar (database versions not stated): TOPMed 0.01351; ESP Exome Variant Server 0.01492; gnomAD exomes 0.00314 and 0.00115; ExAC 0.00381; gnomAD 0.01172 and 0.01252; 1000 Genomes Project 0.01318; 1000 Genomes Project 30x 0.01343.
gnomAD v4.1: 3,528 of 1,614,072 alleles (0.22%); highest among the groups gnomAD compares: African/African-American, 4.2%; 76 homozygotes.

Submissions (6):

Labcorp Genetics (formerly Invitae), Labcorp
Classification: Benign for Loeys-Dietz syndrome 2. Last evaluated: 2026-02-01. Review status: criteria provided, single submitter. Criteria: Invitae Variant Classification Sherloc (09022015). Collection method: clinical testing. Allele origin: germline.

Ambry Genetics
Classification: Benign. Last evaluated: 2015-08-04. Review status: criteria provided, single submitter. Criteria: Ambry Variant Classification Scheme 2023. Collection method: clinical testing. Allele origin: germline.

GeneDx
Classification: Benign. Last evaluated: 2014-04-17. Review status: criteria provided, single submitter. Criteria: GeneDx Variant Classification (06012015). Collection method: clinical testing. Allele origin: germline. Affected: yes.
Comment: This variant is considered likely benign or benign based on one or more of the following criteria: it is a conservative change, it occurs at a poorly conserved position in the protein, it is predicted to be benign by multiple in silico algorithms, and/or has population frequency not consistent with disease.

Biesecker Lab/Clinical Genomics Section, National Institutes of Health
Classification: Benign. Last evaluated: 2013-06-24. Review status: criteria provided, single submitter. Criteria: Ng et al. (Circ Cardiovasc Genet. 2013). Collection method: research. Allele origin: unknown. Observed: 1 variant allele. Study: ClinSeq.
Comment: The study set was not selected for affection status in relation to any cancer. Pathogenicity categories were based on literature curation. See Pubmed ID:23861362 for details.

Medical sequencing

Laboratory for Molecular Medicine, Mass General Brigham Personalized Medicine
Classification: Benign. Last evaluated: 2012-03-19. Review status: criteria provided, single submitter. Criteria: LMM Criteria. Collection method: clinical testing. Allele origin: germline. Observed: 15 variant alleles.
Comment: p.Ala309Pro in Exon 04 of TMPO: This variant is not expected to have clinical si gnificance because it has been identified in 4.4% (163/3738) of African American chromosomes from a broad population by the NHLBI Exome Sequencing Project (dbSNP rs114939776).

Breakthrough Genomics
Classification: Benign. Review status: criteria provided, single submitter. Criteria: ACMG Guidelines, 2015. Collection method: not provided. Allele origin: germline. Inheritance: Unknown mechanism. Affected: yes.

NM_001032283.3(TMPO):c.565+1344G>C

Gene: TMPO (thymopoietin; plus strand). Cytogenetic location: 12q23.1.
Variant type: single nucleotide variant.
Coding change: c.565+1344G>C on transcript NM_001032283.3 (MANE Select); 1344 bases into the intron after coding-DNA position 565, G replaced by C.
Molecular consequence: intron variant. On other transcripts: missense variant (1).
Genome position (GRCh38, 1-based): chr12:98,533,182, G>C. VCF-style: chr12-98533182-G-C. GRCh37 (hg19) VCF-style: chr12-98926960-G-C.
Other names: p.A309P:GCT>CCT; c.925G>C, p.Ala309Pro (NM_003276.2); c.565+1344G>C (NM_001307975.2, NM_001032284.3); short protein forms A309P.
Identifiers: ClinVar variation 44676 (VCV000044676.21), dbSNP rs114939776, ClinGen allele CA282442.